The following is an entry in ClinVar:

ClinVar aggregate classification (germline): Pathogenic (1 of 4 stars; one submission).

Conditions:
Exostoses, multiple, type 2 (EXT2). Also called: Hereditary Multiple Osteochondromatosis, Type II; EXOSTOSES, MULTIPLE, TYPE II. Identifiers: Orphanet 321, MedGen C1851413, MONDO:0007586, OMIM 133701.

Submission:

Labcorp Genetics (formerly Invitae), Labcorp
Classification: Pathogenic for Exostoses, multiple, type 2. Last evaluated: 2017-03-04. Review status: criteria provided, single submitter. Criteria: Invitae Variant Classification Sherloc (09022015). Collection method: clinical testing. Allele origin: germline.
Comment: For these reasons, this variant has been classified as Pathogenic. While this particular variant has not been reported in the literature, loss-of-function variants in EXT2 are known to be pathogenic (PMID: 19810120). This sequence change creates a premature translational stop signal at codon 143 (p.Tyr143*) of the EXT2 gene. It is expected to result in an absent or disrupted protein product.

Literature cited by the submitters: PubMed 19810120.

NM_207122.2(EXT2):c.429C>A (p.Tyr143Ter)

Gene: EXT2 (exostosin glycosyltransferase 2; plus strand). Cytogenetic location: 11p11.2.
Variant type: single nucleotide variant.
Coding change: c.429C>A on transcript NM_207122.2 (MANE Select); coding-DNA position 429, C replaced by A.
Protein change: p.Tyr143Ter; replaces tyrosine 143 with a stop codon.
Molecular consequence: nonsense.
Genome position (GRCh38, 1-based): chr11:44,108,141, C>A. VCF-style: chr11-44108141-C-A. GRCh37 (hg19) VCF-style: chr11-44129691-C-A.
Other names: c.528C>A, p.Tyr176Ter (NM_000401.3); c.429C>A, p.Tyr143Ter (NM_001178083.3, NM_001389628.1, NM_001389630.1); short protein forms Y143*, Y176*.
Identifiers: ClinVar variation 465701 (VCV000465701.7), dbSNP rs1555002543, ClinGen allele CA380180331.